The following is an entry in ClinVar:

NM_014215.3(INSRR):c.315C>T (p.Arg105=)

Genes: INSRR (insulin receptor related receptor; minus strand), NTRK1 (neurotrophic receptor tyrosine kinase 1; plus strand). Cytogenetic location: 1q23.1.
Variant type: single nucleotide variant.
Coding change: c.315C>T on transcript NM_014215.3 (MANE Select); coding-DNA position 315, C replaced by T.
Protein change: p.Arg105=; no amino-acid change (arginine 105 retained).
Molecular consequence: synonymous variant. On other transcripts: intron variant (1).
Genome position (GRCh38, 1-based): chr1:156,854,074, G>A on the plus strand (C>T on the coding strand, the complement: INSRR is on the minus strand). VCF-style: chr1-156854074-G-A. GRCh37 (hg19) VCF-style: chr1-156823866-G-A.
Other names: c.123-10280G>A (NM_001007792.1).
Identifiers: ClinVar variation 4872393 (VCV004872393.2).

ClinVar aggregate classification (germline): Likely benign (1 of 4 stars; one submission).

gnomAD v4.1: 145 of 1,613,926 alleles (0.009%); highest among the groups gnomAD compares: Non-Finnish European, 0.011%; no homozygotes.

Submission:

CeGaT Center for Human Genetics Tuebingen
Classification: Likely benign. Last evaluated: 2026-06-01. Review status: criteria provided, single submitter. Criteria: CeGaT Center For Human Genetics Tuebingen Variant Classification Criteria Version 2. Collection method: clinical testing. Allele origin: germline. Affected: yes. Observed: 1 variant allele.
Comment: INSRR: BP4, BP7